The following is an entry in ClinVar:

ClinVar aggregate classification (germline): Likely benign. Review status: criteria provided, multiple submitters, no conflicts (2 of 4 stars). 9 submissions from 9 submitters: Likely benign (8). 1 of the submissions does not count toward it. Last evaluated 2026-02-01.

Conditions:
NPHP4-related disorder. Also called: NPHP4-related condition; NPHP4-related disorders. Identifiers: MedGen CN239384.
Nephronophthisis. Also called: Juvenile Nephronophthisis. Identifiers: Orphanet 655, MedGen C0687120, MONDO:0019005, HP:0000090.
Nephronophthisis 4 (NPHP4). Also called: NEPHRONOPHTHISIS 4, JUVENILE. Identifiers: Orphanet 655, MedGen C1847013, MONDO:0011752, OMIM 606966.
Senior-Loken syndrome 4 (SLSN4). Identifiers: Orphanet 3156, MedGen C1846979, MONDO:0011756, OMIM 606996.

Allele frequency attached by ClinVar (database versions not stated): 1000 Genomes Project 30x 0.00078; 1000 Genomes Project 0.00100; TOPMed 0.00162; gnomAD 0.00169 and 0.00172; gnomAD exomes 0.00181 and 0.00206; ESP Exome Variant Server 0.00190; ExAC 0.00267.
gnomAD v4.1: 3,215 of 1,600,152 alleles (0.2%); highest among the groups gnomAD compares: Non-Finnish European, 0.24%; 4 homozygotes.

Submissions (9):

CeGaT Center for Human Genetics Tuebingen
Classification: Likely benign. Last evaluated: 2026-02-01. Review status: criteria provided, single submitter. Criteria: CeGaT Center For Human Genetics Tuebingen Variant Classification Criteria Version 2. Collection method: clinical testing. Allele origin: germline. Affected: yes. Observed: 7 variant alleles.
Comment: NPHP4: BS2

Labcorp Genetics (formerly Invitae), Labcorp
Classification: Likely benign for Nephronophthisis. Last evaluated: 2026-02-01. Review status: criteria provided, single submitter. Criteria: Invitae Variant Classification Sherloc (09022015). Collection method: clinical testing. Allele origin: germline.

Mayo Clinic Laboratories, Mayo Clinic
Classification: Likely benign. Last evaluated: 2025-08-12. Review status: criteria provided, single submitter. Criteria: ACMG Guidelines, 2015. Collection method: clinical testing. Allele origin: germline. Observed: 2 variant alleles.
Comment: BS1

Blueprint Genetics
Classification: Likely benign. Last evaluated: 2024-11-22. Review status: criteria provided, single submitter. Criteria: ACMG Guidelines, 2015. Collection method: clinical testing. Allele origin: germline.

Fulgent Genetics
Classification: Likely benign for Nephronophthisis 4; Senior-Loken syndrome 4. Last evaluated: 2022-04-26. Review status: criteria provided, single submitter. Criteria: ACMG Guidelines, 2015. Collection method: clinical testing. Allele origin: unknown.

Illumina Laboratory Services, Illumina
Classification: Likely benign for Senior-Loken syndrome 4. Last evaluated: 2017-04-27. Review status: criteria provided, single submitter. Criteria: ICSL Variant Classification Criteria 13 December 2019. Collection method: clinical testing. Allele origin: germline.
Comment: This variant was observed as part of a predisposition screen in an ostensibly healthy population. A literature search was performed for the gene, cDNA change, and amino acid change (where applicable). Publications were found based on this search. The evidence from the literature, in combination with allele frequency data from public databases where available, was sufficient to determine this variant is unlikely to cause disease. Therefore, this variant is classified as likely benign.

Eurofins Ntd Llc (ga)
Classification: Likely benign. Last evaluated: 2016-06-30. Review status: criteria provided, single submitter. Criteria: EGL Classification Definitions 2015. Collection method: clinical testing. Allele origin: germline. Observed: 2 variant alleles, 2 heterozygotes.

Breakthrough Genomics
Classification: Likely benign. Review status: criteria provided, single submitter. Criteria: ACMG Guidelines, 2015. Collection method: not provided. Allele origin: germline. Inheritance: Autosomal recessive inheritance. Affected: yes.

PreventionGenetics, part of Exact Sciences
Classification: Likely benign for NPHP4-related condition. Last evaluated: 2023-11-29. Review status: no assertion criteria provided. Collection method: clinical testing. Allele origin: germline. Not counted in ClinVar's aggregate classification.
Comment: This variant is classified as likely benign based on ACMG/AMP sequence variant interpretation guidelines (Richards et al. 2015 PMID: 25741868, with internal and published modifications).

Literature cited by the submitters: PubMed 15776426 (cited by 3 submitters); PubMed 22550138 (cited by Mayo Clinic Laboratories, Mayo Clinic and Illumina Laboratory Services, Illumina); PubMed 26346198 (cited by Mayo Clinic Laboratories, Mayo Clinic and Eurofins Ntd Llc (ga)); PubMed 32865313 (cited by Mayo Clinic Laboratories, Mayo Clinic); PubMed 34426522 (cited by Mayo Clinic Laboratories, Mayo Clinic); PubMed 37230223 (cited by Mayo Clinic Laboratories, Mayo Clinic).

NM_015102.5(NPHP4):c.3574C>T (p.Arg1192Trp)

Gene: NPHP4 (nephrocystin 4; minus strand). Cytogenetic location: 1p36.31.
Variant type: single nucleotide variant.
Coding change: c.3574C>T on transcript NM_015102.5 (MANE Select); coding-DNA position 3574, C replaced by T.
Protein change: p.Arg1192Trp; replaces arginine 1192 with tryptophan.
Molecular consequence: missense variant. On other transcripts: non-coding transcript variant (1).
Genome position (GRCh38, 1-based): chr1:5,866,443, G>A on the plus strand (C>T on the coding strand, the complement: NPHP4 is on the minus strand). VCF-style: chr1-5866443-G-A. GRCh37 (hg19) VCF-style: chr1-5926503-G-A.
Other names: c.2035C>T, p.Arg679Trp (NM_001291593.2); c.2038C>T, p.Arg680Trp (NM_001291594.2); short protein forms R1192W, R679W, R680W.
Identifiers: ClinVar variation 188389 (VCV000188389.48), dbSNP rs139022622, ClinGen allele CA334771.